The following is an entry in ClinVar:

NM_144573.4(NEXN):c.354G>A (p.Arg118=)

Genes: NEXN (nexilin F-actin binding protein; plus strand), LOC126805765 (BRD4-independent group 4 enhancer GRCh37_chr1:78383688-78384887; plus strand). Cytogenetic location: 1p31.1.
Variant type: single nucleotide variant.
Coding change: c.354G>A on transcript NM_144573.4 (MANE Select); coding-DNA position 354, G replaced by A.
Protein change: p.Arg118=; no amino-acid change (arginine 118 retained).
Molecular consequence: synonymous variant.
Genome position (GRCh38, 1-based): chr1:77,918,180, G>A. VCF-style: chr1-77918180-G-A. GRCh37 (hg19) VCF-style: chr1-78383865-G-A.
Other names: c.162G>A, p.Arg54= (NM_001172309.2).
Identifiers: ClinVar variation 3753549 (VCV003753549.3).
Genomic context (GRCh38, chr1:77,918,180, plus strand): 5'-TTTAGGAACTGTGAAGGGTAGATTTGCTGAAATGGAGAAACAAAGACAAGAGGAACAAAG[G>A]AAGAGAACGGAGGAGGAACGAAAACGCAGAATTGAGCAGGATATGTTAGAAAAGAGGAAA-3'
Protein context (NP_653174.3, residues 108-128): EMEKQRQEEQ[Arg118=]KRTEEERKRR

ClinVar aggregate classification (germline): Likely benign. Review status: criteria provided, multiple submitters, no conflicts (2 of 4 stars). 2 submissions from 2 submitters: Likely benign (2). Last evaluated 2025-07-15.

Conditions:
NEXN-related disorder. Also called: NEXN-related condition; NEXN-related disorders.
Hypertrophic cardiomyopathy 20. Identifiers: MedGen C3151267, MONDO:0013477, OMIM 613876.
Dilated cardiomyopathy 1CC (CMD1CC). Identifiers: Orphanet 154, MedGen C2751084, MONDO:0013147, OMIM 613122.

gnomAD v4.1: 9 of 1,613,862 alleles (0.00056%); highest among the groups gnomAD compares: African/African-American, 0.0067%; no homozygotes.

Submissions (2):

PreventionGenetics, part of Exact Sciences
Classification: Likely benign for NEXN-related condition. Last evaluated: 2025-07-15. Review status: criteria provided, single submitter. Criteria: ACMG Guidelines, 2015. Collection method: clinical testing. Allele origin: germline.
Comment: This variant is classified as likely benign based on ACMG/AMP sequence variant interpretation guidelines (Richards et al. 2015 PMID: 25741868, with internal and published modifications).

Labcorp Genetics (formerly Invitae), Labcorp
Classification: Likely benign for Dilated cardiomyopathy 1CC; Hypertrophic cardiomyopathy 20. Last evaluated: 2024-05-06. Review status: criteria provided, single submitter. Criteria: Invitae Variant Classification Sherloc (09022015). Collection method: clinical testing. Allele origin: germline.